The following is an entry in ClinVar:

NM_001166114.2(PNPLA6):c.3314C>T (p.Thr1105Met)

Gene: PNPLA6 (patatin like domain 6, lysophospholipase; plus strand). Cytogenetic location: 19p13.2.
Variant type: single nucleotide variant.
Coding change: c.3314C>T on transcript NM_001166114.2 (MANE Select); coding-DNA position 3314, C replaced by T.
Protein change: p.Thr1105Met; replaces threonine 1105 with methionine.
Molecular consequence: missense variant.
Genome position (GRCh38, 1-based): chr19:7,557,201, C>T. VCF-style: chr19-7557201-C-T. GRCh37 (hg19) VCF-style: chr19-7622087-C-T.
Other names: c.3344C>T, p.Thr1115Met (NM_001166111.2); c.3119C>T, p.Thr1040Met (NM_001166112.2); c.3200C>T, p.Thr1067Met (NM_001166113.1, NM_006702.5); short protein forms T1067M, T1115M, T1040M, T1105M.
Identifiers: ClinVar variation 566889 (VCV000566889.11), dbSNP rs1202026658, ClinGen allele CA403133770.
Genomic context (GRCh38, chr19:7,557,201, plus strand): 5'-TTTGTGTCTGTGTGTCCCACCGCGCAGGCTCCCTGTGGCGGTACGTGCGCGCCAGCATGA[C>T]GCTGTCGGGCTACCTGCCCCCGCTGTGCGACCCCAAGGACGGGCACCTACTCATGGATGG-3'
Protein context (NP_001159586.1, residues 1095-1115): SLWRYVRASM[Thr1105Met]LSGYLPPLCD

ClinVar aggregate classification (germline): Uncertain significance. Review status: criteria provided, multiple submitters, no conflicts (2 of 4 stars). 3 submissions from 3 submitters: Uncertain significance (3). Last evaluated 2024-09-10.

Conditions:
Hereditary spastic paraplegia 39 (SPG39). Also called: Spastic Paraplegia Type 39 (SPG39); SPASTIC PARAPLEGIA 39, AUTOSOMAL RECESSIVE. Identifiers: Orphanet 139480, MedGen C2677586, MONDO:0012787, OMIM 612020.

Allele frequency attached by ClinVar (database versions not stated): gnomAD 0.00001; TOPMed 0.00001; gnomAD exomes 0.00002.

Submissions (3):

Blueprint Genetics
Classification: Uncertain significance. Last evaluated: 2024-09-10. Review status: criteria provided, single submitter. Criteria: ACMG Guidelines, 2015. Collection method: clinical testing. Allele origin: germline.

Labcorp Genetics (formerly Invitae), Labcorp
Classification: Uncertain significance for Hereditary spastic paraplegia 39. Last evaluated: 2023-12-04. Review status: criteria provided, single submitter. Criteria: Invitae Variant Classification Sherloc (09022015). Collection method: clinical testing. Allele origin: germline.
Comment: This sequence change replaces threonine, which is neutral and polar, with methionine, which is neutral and non-polar, at codon 1067 of the PNPLA6 protein (p.Thr1067Met). This variant is not present in population databases (gnomAD no frequency). This missense change has been observed in individual(s) with clinical features of hereditary spastic paraplegia (PMID: 34816117). ClinVar contains an entry for this variant (Variation ID: 566889). Advanced modeling of protein sequence and biophysical properties (such as structural, functional, and spatial information, amino acid conservation, physicochemical variation, residue mobility, and thermodynamic stability) performed at Invitae indicates that this missense variant is expected to disrupt PNPLA6 protein function with a positive predictive value of 95%. In summary, the available evidence is currently insufficient to determine the role of this variant in disease. Therefore, it has been classified as a Variant of Uncertain Significance.

GeneDx
Classification: Uncertain significance. Last evaluated: 2021-09-28. Review status: criteria provided, single submitter. Criteria: GeneDx Variant Classification Process June 2021. Collection method: clinical testing. Allele origin: germline. Affected: yes.
Comment: In silico analysis supports that this missense variant has a deleterious effect on protein structure/function; Has not been previously published as pathogenic or benign to our knowledge

Literature cited by the submitters: PubMed 34816117 (cited by Labcorp Genetics (formerly Invitae), Labcorp).